The following is an entry in ClinVar:

ClinVar aggregate classification (germline): Benign. Review status: criteria provided, multiple submitters, no conflicts (2 of 4 stars). 2 submissions from 2 submitters: Benign (2). Last evaluated 2018-01-13.

Conditions:
Charcot-Marie-Tooth disease type 4B1. Also called: CHARCOT-MARIE-TOOTH DISEASE, AUTOSOMAL RECESSIVE, WITH FOCALLY FOLDED MYELIN SHEATHS, AUTOSOMAL RECESSIVE, TYPE 4B1; CHARCOT-MARIE-TOOTH DISEASE, TYPE 4B; Charcot-Marie-Tooth Neuropathy Type 4B1; CHARCOT-MARIE-TOOTH DISEASE, DEMYELINATING, TYPE 4B1. Identifiers: Orphanet 99955, MedGen C1832399, MONDO:0011066, OMIM 601382.

Allele frequency attached by ClinVar (database versions not stated): 1000 Genomes Project 30x 0.19972; 1000 Genomes Project 0.20347; gnomAD 0.27509 and 0.27825; TOPMed 0.27541.

Submissions (2):

Illumina Laboratory Services, Illumina
Classification: Benign for Charcot-Marie-Tooth disease type 4B1. Last evaluated: 2018-01-13. Review status: criteria provided, single submitter. Criteria: ICSL Variant Classification Criteria 13 December 2019. Collection method: clinical testing. Allele origin: germline.
Comment: This variant was observed in the ICSL laboratory as part of a predisposition screen in an ostensibly healthy population. It had not been previously curated by ICSL or reported in the Human Gene Mutation Database (HGMD: prior to June 1st, 2018), and was therefore a candidate for classification through an automated scoring system. Utilizing variant allele frequency, disease prevalence and penetrance estimates, and inheritance mode, an automated score was calculated to assess if this variant is too frequent to cause the disease. Based on the score and internal cut-off values, a variant classified as benign is not then subjected to further curation. The score for this variant resulted in a classification of benign for this disease.

Breakthrough Genomics
Classification: Benign. Review status: criteria provided, single submitter. Criteria: ACMG Guidelines, 2015. Collection method: not provided. Allele origin: germline. Inheritance: Autosomal recessive inheritance. Affected: yes.

NM_016156.6(MTMR2):c.*1419G>A

Gene: MTMR2 (myotubularin related protein 2; minus strand). Cytogenetic location: 11q21.
Variant type: single nucleotide variant.
Coding change: c.*1419G>A on transcript NM_016156.6 (MANE Select); 1419 bases downstream of the stop codon, G replaced by A.
Molecular consequence: 3 prime UTR variant.
Genome position (GRCh38, 1-based): chr11:95,833,871, C>T on the plus strand (G>A on the coding strand, the complement: MTMR2 is on the minus strand). VCF-style: chr11-95833871-C-T. GRCh37 (hg19) VCF-style: chr11-95567035-C-T.
Other names: c.*1419G>A (NM_001243571.2, NM_201278.3, NM_201281.3).
Identifiers: ClinVar variation 306514 (VCV000306514.6), dbSNP rs496305, ClinGen allele CA10639713.